The following is an entry in ClinVar:

NM_003000.3(SDHB):c.467A>T (p.Tyr156Phe)

Gene: SDHB (succinate dehydrogenase complex iron sulfur subunit B; minus strand). Cytogenetic location: 1p36.13.
Variant type: single nucleotide variant.
Coding change: c.467A>T on transcript NM_003000.3 (MANE Select); coding-DNA position 467, A replaced by T.
Protein change: p.Tyr156Phe; replaces tyrosine 156 with phenylalanine.
Molecular consequence: missense variant.
Genome position (GRCh38, 1-based): chr1:17,027,822, T>A on the plus strand (A>T on the coding strand, the complement: SDHB is on the minus strand). VCF-style: chr1-17027822-T-A. GRCh37 (hg19) VCF-style: chr1-17354317-T-A.
Other names: c.413A>T, p.Tyr138Phe (NM_001407361.1); short protein forms Y138F, Y156F.
Identifiers: ClinVar variation 5029281 (VCV005029281.1).
Genomic context (GRCh38, chr1:17,027,822, plus strand): 5'-TCTTCTATGGACTGCAGATACTGCTGCTTGCCTTCCTGAGATTCATCCTTCTTCTTCAAA[T>A]AAGGCTCAATGGATTTGTACTGTGCATAGAAGTTGCTCAAATCCTGTGGTTAAGAGGAAG-3'
Protein context (NP_002991.2, residues 146-166): FYAQYKSIEP[Tyr156Phe]LKKKDESQEG

ClinVar aggregate classification (germline): Uncertain significance (1 of 4 stars; one submission).

Conditions:
Hereditary cancer-predisposing syndrome. Also called: Neoplastic Syndromes, Hereditary; Tumor predisposition; Hereditary neoplastic syndrome; Hereditary Cancer Syndrome. Identifiers: Orphanet 140162, MedGen C0027672, MeSH D009386, MONDO:0015356.

Submission:

Ambry Genetics
Classification: Uncertain significance for Hereditary cancer-predisposing syndrome. Last evaluated: 2026-07-07. Review status: criteria provided, single submitter. Criteria: Ambry Variant Classification Scheme 2023. Collection method: clinical testing. Allele origin: germline.
Comment: The p.Y156F variant (also known as c.467A>T), located in coding exon 5 of the SDHB gene, results from an A to T substitution at nucleotide position 467. The tyrosine at codon 156 is replaced by phenylalanine, an amino acid with highly similar properties. This amino acid position is conserved. In addition, the in silico prediction for this alteration is inconclusive. Based on the available evidence, the clinical significance of this variant remains unclear.